The following is an entry in ClinVar:

ClinVar aggregate classification (germline): Uncertain significance (1 of 4 stars; one submission).

gnomAD v4.1: 1 of 1,614,102 alleles (0.000062%); highest among the groups gnomAD compares: Admixed American, 0.0017%; no homozygotes.

Submission:

Labcorp Genetics (formerly Invitae), Labcorp
Classification: Uncertain significance. Last evaluated: 2025-06-03. Review status: criteria provided, single submitter. Criteria: Invitae Variant Classification Sherloc (09022015). Collection method: clinical testing. Allele origin: germline.
Comment: This sequence change replaces aspartic acid, which is acidic and polar, with histidine, which is basic and polar, at codon 116 of the LRP5 protein (p.Asp116His). This variant is not present in population databases (gnomAD no frequency). This variant has not been reported in the literature in individuals affected with LRP5-related conditions. ClinVar contains an entry for this variant (Variation ID: 1396600). Invitae Evidence Modeling of protein sequence and biophysical properties (such as structural, functional, and spatial information, amino acid conservation, physicochemical variation, residue mobility, and thermodynamic stability) indicates that this missense variant is expected to disrupt LRP5 protein function with a positive predictive value of 95%. In summary, the available evidence is currently insufficient to determine the role of this variant in disease. Therefore, it has been classified as a Variant of Uncertain Significance.

NM_002335.4(LRP5):c.346G>C (p.Asp116His)

Gene: LRP5 (LDL receptor related protein 5; plus strand). Cytogenetic location: 11q13.2.
Variant type: single nucleotide variant.
Coding change: c.346G>C on transcript NM_002335.4 (MANE Select); coding-DNA position 346, G replaced by C.
Protein change: p.Asp116His; replaces aspartic acid 116 with histidine.
Molecular consequence: missense variant. On other transcripts: 5 prime UTR variant (1).
Genome position (GRCh38, 1-based): chr11:68,348,101, G>C. VCF-style: chr11-68348101-G-C. GRCh37 (hg19) VCF-style: chr11-68115569-G-C.
Other names: c.-1420G>C (NM_001291902.2); short protein forms D116H.
Identifiers: ClinVar variation 1396600 (VCV001396600.6), dbSNP rs778613031, ClinGen allele CA381610581.